The following is an entry in ClinVar:

GRCh38/hg38 16p11.2(chr16:29653208-30162533)x1

Genes: ALDOA (aldolase, fructose-bisphosphate A; plus strand), ASPHD1 (aspartate beta-hydroxylase domain containing 1; plus strand), C16orf54 (chromosome 16 open reading frame 54; minus strand), CDIPT (CDP-diacylglycerol--inositol 3-phosphatidyltransferase; minus strand), CDIPTOSP (CDIP transferase opposite strand, pseudogene; plus strand) and 87 more. Cytogenetic location: 16p11.2.
Variant type: copy number loss.
Change: copy number 1 (one copy instead of two) of chr16:29,653,208-30,162,533 (509.3 kb, GRCh38 coordinates, 1-based), cytogenetic band 16p11.2.
Identifiers: ClinVar variation 60398 (VCV000060398.2).

ClinVar aggregate classification (germline): Pathogenic (1 of 4 stars; one submission).

Submission:

ISCA Site 6
Classification: Pathogenic. Last evaluated: 2011-08-12. Review status: criteria provided, single submitter. Criteria: Kaminsky et al. (Genet Med. 2011). Collection method: clinical testing. Allele origin: unknown. Affected: yes. Observed: 1 variant allele.
Comment: Copy number variation identified through the course of routine clinical cytogenomic testing in postnatal populations. Clinical assertions have been curated as described in Kaminsky et al. 2011.